The following is an entry in ClinVar:

ClinVar aggregate classification (germline): Likely pathogenic (1 of 4 stars; one submission).

Conditions:
NEK1-related disorder. Also called: NEK1-related condition.

Submission:

PreventionGenetics, part of Exact Sciences
Classification: Likely pathogenic for NEK1-related condition. Last evaluated: 2025-08-11. Review status: criteria provided, single submitter. Criteria: ACMG Guidelines, 2015. Collection method: clinical testing. Allele origin: germline.
Comment: The NEK1 c.2556dupA variant is predicted to result in a frameshift and premature protein termination (p.Val853Serfs*7). To our knowledge, this variant has not been reported in the literature. A deletion at the same nucleotide position c.2556delA (reported as c.2640delA, p.Val881TyrfsTer8) has been reported in a patient with amyotrophic lateral sclerosis (Tsai et al 2020. PubMed ID: 32462798). This variant is reported in 0.014% of alleles in individuals of East Asian descent in gnomAD. Frameshift variants in NEK1 are expected to be pathogenic. This variant is interpreted as likely pathogenic.

NM_001199397.3(NEK1):c.2640dup (p.Val881fs)

Gene: NEK1 (NIMA related kinase 1; minus strand). Cytogenetic location: 4q33.
Variant type: Duplication.
Coding change: c.2640dup on transcript NM_001199397.3 (MANE Select); coding-DNA position 2640, one base duplicated (A; older notation c.2640dupA).
Protein change: p.Val881fs; shifts the reading frame from valine 881.
Molecular consequence: frameshift variant. On other transcripts: non-coding transcript variant (1), intron variant (1).
Genome position (GRCh38, 1-based): chr4:169,438,207, T duplicated on the plus strand (A on the coding strand, the reverse complement: NEK1 is on the minus strand); the first of 8 consecutive T bases (chr4:169,438,207-169,438,214); duplicating any one gives the same sequence. VCF-style (leftmost placement, unchanged base first): chr4-169438206-C-CT. GRCh37 (hg19) VCF-style: chr4-170359357-C-CT.
Other names: c.2508dup, p.Val837fs (NM_001199398.3); c.2349dup, p.Val784fs (NM_001199399.3); c.2424dup, p.Val809fs (NM_001199400.3); c.2640dup, p.Val881fs (NM_001374418.1); c.2556dup, p.Val853fs (NM_001374419.1, NM_012224.4); c.2505dup, p.Val836fs (NM_001374420.1); c.2282-4542dup (NM_001374421.1); short protein forms V784fs, V809fs, V836fs, V837fs, V853fs, V881fs.
Identifiers: ClinVar variation 2628507 (VCV002628507.2), dbSNP rs760894879, ClinGen allele CA3137356.